The following is an entry in ClinVar:

ClinVar aggregate classification (germline): Uncertain significance. Review status: criteria provided, multiple submitters, no conflicts (2 of 4 stars). 2 submissions from 2 submitters: Uncertain significance (2). Last evaluated 2025-12-01.

Conditions:
Inborn genetic diseases. Identifiers: MedGen C0950123, MeSH D030342.

Allele frequency attached by ClinVar (database versions not stated): gnomAD exomes below 0.00001; TOPMed below 0.00001.
gnomAD v4.1: 5 of 1,613,458 alleles (0.00031%); highest among the groups gnomAD compares: Non-Finnish European, 0.00034%; no homozygotes.

Submissions (2):

Labcorp Genetics (formerly Invitae), Labcorp
Classification: Uncertain significance. Last evaluated: 2025-12-01. Review status: criteria provided, single submitter. Criteria: Invitae Variant Classification Sherloc (09022015). Collection method: clinical testing. Allele origin: germline.
Comment: This sequence change replaces glutamine, which is neutral and polar, with glutamic acid, which is acidic and polar, at codon 468 of the NFKB1 protein (p.Gln468Glu). This variant is present in population databases (no rsID available, gnomAD 0.0009%). This variant has not been reported in the literature in individuals affected with NFKB1-related conditions. ClinVar contains an entry for this variant (Variation ID: 1982818). Invitae Evidence Modeling of protein sequence and biophysical properties (such as structural, functional, and spatial information, amino acid conservation, physicochemical variation, residue mobility, and thermodynamic stability) indicates that this missense variant is not expected to disrupt NFKB1 protein function with a negative predictive value of 80%. In summary, the available evidence is currently insufficient to determine the role of this variant in disease. Therefore, it has been classified as a Variant of Uncertain Significance.

Ambry Genetics
Classification: Uncertain significance for Inborn genetic diseases. Last evaluated: 2025-08-06. Review status: criteria provided, single submitter. Criteria: Ambry Variant Classification Scheme 2023. Collection method: clinical testing. Allele origin: germline.

NM_003998.4(NFKB1):c.1402C>G (p.Gln468Glu)

Gene: NFKB1 (nuclear factor kappa B subunit 1; plus strand). Cytogenetic location: 4q24.
Variant type: single nucleotide variant.
Coding change: c.1402C>G on transcript NM_003998.4 (MANE Select); coding-DNA position 1402, C replaced by G.
Protein change: p.Gln468Glu; replaces glutamine 468 with glutamic acid.
Molecular consequence: missense variant.
Genome position (GRCh38, 1-based): chr4:102,596,239, C>G. VCF-style: chr4-102596239-C-G. GRCh37 (hg19) VCF-style: chr4-103517396-C-G.
Other names: c.1399C>G, p.Gln467Glu (NM_001165412.2, NM_001319226.2, NM_001382627.1); c.1402C>G, p.Gln468Glu (NM_001382625.1, NM_001382626.1); c.1360C>G, p.Gln454Glu (NM_001382628.1); c.1402C>G (NM_003998.3); short protein forms Q468E, Q454E, Q467E.
Identifiers: ClinVar variation 1982818 (VCV001982818.5), dbSNP rs939459600, ClinGen allele CA102681935.